The following is an entry in ClinVar:

NM_005560.6(LAMA5):c.8898C>T (p.Phe2966=)

Gene: LAMA5 (laminin subunit alpha 5; minus strand). Cytogenetic location: 20q13.33.
Variant type: single nucleotide variant.
Coding change: c.8898C>T on transcript NM_005560.6 (MANE Select); coding-DNA position 8898, C replaced by T.
Protein change: p.Phe2966=; no amino-acid change (phenylalanine 2966 retained).
Molecular consequence: synonymous variant.
Genome position (GRCh38, 1-based): chr20:62,313,145, G>A on the plus strand (C>T on the coding strand, the complement: LAMA5 is on the minus strand). VCF-style: chr20-62313145-G-A. GRCh37 (hg19) VCF-style: chr20-60888201-G-A.
Identifiers: ClinVar variation 777057 (VCV000777057.33), dbSNP rs117076754, ClinGen allele CA9940519.

ClinVar aggregate classification (germline): Benign/Likely benign. Review status: criteria provided, multiple submitters, no conflicts (2 of 4 stars). 3 submissions from 3 submitters: Benign (2); Likely benign (1). Last evaluated 2026-01-26.

Allele frequency attached by ClinVar (database versions not stated): 1000 Genomes Project 0.00080; 1000 Genomes Project 30x 0.00094; TOPMed 0.00265; gnomAD exomes 0.00334; gnomAD 0.00371 and 0.00376; ESP Exome Variant Server 0.00432; ExAC 0.00435.
gnomAD v4.1: 5,530 of 1,605,824 alleles (0.34%); highest among the groups gnomAD compares: Non-Finnish European, 0.37%; 12 homozygotes.

Submissions (3):

Labcorp Genetics (formerly Invitae), Labcorp
Classification: Benign. Last evaluated: 2026-01-26. Review status: criteria provided, single submitter. Criteria: Invitae Variant Classification Sherloc (09022015). Collection method: clinical testing. Allele origin: germline.

CeGaT Center for Human Genetics Tuebingen
Classification: Likely benign. Last evaluated: 2026-01-01. Review status: criteria provided, single submitter. Criteria: CeGaT Center For Human Genetics Tuebingen Variant Classification Criteria Version 2. Collection method: clinical testing. Allele origin: germline. Affected: yes. Observed: 10 variant alleles.
Comment: LAMA5: BP4, BP7

Breakthrough Genomics
Classification: Benign. Review status: criteria provided, single submitter. Criteria: ACMG Guidelines, 2015. Collection method: not provided. Allele origin: germline. Inheritance: Autosomal recessive inheritance. Affected: yes.